The following is an entry in ClinVar:

ClinVar aggregate classification (germline): Uncertain significance. Review status: criteria provided, multiple submitters, no conflicts (2 of 4 stars). 3 submissions from 2 submitters: Uncertain significance (3). Last evaluated 2024-11-08.

Conditions:
Lethal Kniest-like syndrome (DDSH). Also called: Dyssegmental Dysplasia. Identifiers: Orphanet 1865, MedGen C1857100, MONDO:0009140, OMIM 224410.
Schwartz-Jampel syndrome. Also called: Myotonic myopathy dwarfism chondrodystrophy and ocular and facial abnormalities. Identifiers: Orphanet 800, MedGen C0036391, MONDO:0009717.

Allele frequency attached by ClinVar (database versions not stated): ExAC 0.00001; gnomAD exomes 0.00002; TOPMed 0.00002; gnomAD 0.00003.
gnomAD v4.1: 43 of 1,613,638 alleles (0.0027%); highest among the groups gnomAD compares: Middle Eastern, 0.049%; 2 homozygotes.

Submissions (3):

Athena Diagnostics
Classification: Uncertain significance. Last evaluated: 2024-11-08. Review status: criteria provided, single submitter. Criteria: Athena Diagnostics Criteria. Collection method: clinical testing. Allele origin: unknown.
Comment: Available data are insufficient to determine the clinical significance of the variant at this time. The frequency of this variant in the general population is uninformative in assessment of its pathogenicity. Polyphen and MutationTaster predict this amino acid change may be benign.

Illumina Laboratory Services, Illumina
Classification: Uncertain significance for Lethal Kniest-like syndrome. Last evaluated: 2018-01-12. Review status: criteria provided, single submitter. Criteria: ICSL Variant Classification Criteria 13 December 2019. Collection method: clinical testing. Allele origin: germline.

Illumina Laboratory Services, Illumina
Classification: Uncertain significance for Schwartz-Jampel syndrome type 1. Last evaluated: 2018-01-12. Review status: criteria provided, single submitter. Criteria: ICSL Variant Classification Criteria 13 December 2019. Collection method: clinical testing. Allele origin: germline.

NM_005529.7(HSPG2):c.7610G>A (p.Arg2537His)

Gene: HSPG2 (heparan sulfate proteoglycan 2; minus strand). Cytogenetic location: 1p36.12.
Variant type: single nucleotide variant.
Coding change: c.7610G>A on transcript NM_005529.7 (MANE Select); coding-DNA position 7610, G replaced by A.
Protein change: p.Arg2537His; replaces arginine 2537 with histidine.
Molecular consequence: missense variant.
Genome position (GRCh38, 1-based): chr1:21,848,770, C>T on the plus strand (G>A on the coding strand, the complement: HSPG2 is on the minus strand). VCF-style: chr1-21848770-C-T. GRCh37 (hg19) VCF-style: chr1-22175263-C-T.
Other names: c.7613G>A, p.Arg2538His (NM_001291860.2); c.7610G>A (NM_005529.6); short protein forms R2537H, R2538H.
Identifiers: ClinVar variation 295788 (VCV000295788.6), dbSNP rs752745046, ClinGen allele CA671113.
Genomic context (GRCh38, chr1:21,848,770, plus strand): 5'-ACCAGGCAGTTGAGGTCCAGGGTGTGTCCATTGGCCAGGGAGGCTGAGGAGGACTCGATG[C>T]GGACGGGGTACGCCACACCCTGGGCTGGGAGGGTGAGATGTAAGGCAGGGTGTGGGAGCT-3'
Protein context (NP_005520.4, residues 2527-2547): SHSQGVAYPV[Arg2537His]IESSSASLAN